The following is an entry in ClinVar:

ClinVar aggregate classification (germline): Uncertain significance. Review status: criteria provided, multiple submitters, no conflicts (2 of 4 stars). 11 submissions from 11 submitters: Uncertain significance (11). Last evaluated 2025-06-17.

Conditions:
Cardiovascular phenotype. Identifiers: MedGen CN230736.
Primary familial hypertrophic cardiomyopathy (HCM). Identifiers: Orphanet 99739, MedGen C0949658, MeSH D024741, MONDO:0024573. Inheritance: Various modes of inheritance.
Hypertrophic cardiomyopathy 25 (CMH25). Also called: CARDIOMYOPATHY, FAMILIAL HYPERTROPHIC, 25. Identifiers: MedGen C4225408, MONDO:0011843, OMIM 607487.
Autosomal recessive limb-girdle muscular dystrophy type 2G (LGMDR7). Also called: Telethoninopathy; Limb-girdle muscular dystrophy, type 2G; MUSCULAR DYSTROPHY, LIMB-GIRDLE, AUTOSOMAL RECESSIVE 7. Identifiers: Orphanet 34514, MedGen C1866008, MONDO:0011170, OMIM 601954.

Allele frequency attached by ClinVar (database versions not stated): ESP Exome Variant Server 0.00008; ExAC 0.00011; gnomAD 0.00013 and 0.00014; gnomAD exomes 0.00014 and 0.00018; TOPMed 0.00014.

Submissions (11):

Ambry Genetics
Classification: Uncertain significance for Cardiovascular phenotype. Last evaluated: 2025-06-17. Review status: criteria provided, single submitter. Criteria: Ambry Variant Classification Scheme 2023. Collection method: clinical testing. Allele origin: germline.
Comment: The p.L113F variant (also known as c.337C>T), located in coding exon 2 of the TCAP gene, results from a C to T substitution at nucleotide position 337. The leucine at codon 113 is replaced by phenylalanine, an amino acid with highly similar properties. This amino acid position is well conserved in available vertebrate species. In addition, the in silico prediction for this alteration is inconclusive. Based on the available evidence, the clinical significance of this variant remains unclear.

Revvity Omics, Revvity
Classification: Uncertain significance. Last evaluated: 2025-03-26. Review status: criteria provided, single submitter. Criteria: ACMG Guidelines, 2015. Collection method: clinical testing. Allele origin: germline.

Labcorp Genetics (formerly Invitae), Labcorp
Classification: Uncertain significance for Hypertrophic cardiomyopathy 25; Primary familial hypertrophic cardiomyopathy. Last evaluated: 2025-01-27. Review status: criteria provided, single submitter. Criteria: Invitae Variant Classification Sherloc (09022015). Collection method: clinical testing. Allele origin: germline.
Comment: This sequence change replaces leucine, which is neutral and non-polar, with phenylalanine, which is neutral and non-polar, at codon 113 of the TCAP protein (p.Leu113Phe). This variant is present in population databases (rs372312912, gnomAD 0.03%). This variant has not been reported in the literature in individuals affected with TCAP-related conditions. ClinVar contains an entry for this variant (Variation ID: 179032). An algorithm developed to predict the effect of missense changes on protein structure and function (PolyPhen-2) suggests that this variant is likely to be disruptive. In summary, the available evidence is currently insufficient to determine the role of this variant in disease. Therefore, it has been classified as a Variant of Uncertain Significance.

Blueprint Genetics
Classification: Uncertain significance. Last evaluated: 2024-09-24. Review status: criteria provided, single submitter. Criteria: ACMG Guidelines, 2015. Collection method: clinical testing. Allele origin: germline.

CeGaT Center for Human Genetics Tuebingen
Classification: Uncertain significance. Last evaluated: 2023-11-01. Review status: criteria provided, single submitter. Criteria: CeGaT Center For Human Genetics Tuebingen Variant Classification Criteria Version 2. Collection method: clinical testing. Allele origin: germline. Affected: yes. Observed: 1 variant allele.

GeneDx
Classification: Uncertain significance. Last evaluated: 2023-09-18. Review status: criteria provided, single submitter. Criteria: GeneDx Variant Classification Process June 2021. Collection method: clinical testing. Allele origin: germline. Affected: yes.
Comment: Reported in association with HCM although clinical and segregation data were not provided (Lopes et al., 2015); In silico analysis supports that this missense variant does not alter protein structure/function; Missense variants in this gene are often considered pathogenic (HGMD); This variant is associated with the following publications: (PMID: 25351510, 16490376)

Fulgent Genetics
Classification: Uncertain significance for Autosomal recessive limb-girdle muscular dystrophy type 2G; Hypertrophic cardiomyopathy 25. Last evaluated: 2021-07-27. Review status: criteria provided, single submitter. Criteria: ACMG Guidelines, 2015. Collection method: clinical testing. Allele origin: unknown.

Eurofins Ntd Llc (ga)
Classification: Uncertain significance. Last evaluated: 2017-10-11. Review status: criteria provided, single submitter. Criteria: EGL Classification Definitions 2015. Collection method: clinical testing. Allele origin: germline. Observed: 2 variant alleles, 2 heterozygotes.

Laboratory for Molecular Medicine, Mass General Brigham Personalized Medicine
Classification: Uncertain significance. Last evaluated: 2017-01-11. Review status: criteria provided, single submitter. Criteria: LMM Criteria. Collection method: clinical testing. Allele origin: germline. Observed: 2 variant alleles.
Comment: This variant has also been reported in ClinVar (Variation ID: 17903 2). Computational prediction tools and conservation analysis suggest that the p .Leu113Phe variant may not impact the protein, though this information is not pr edictive enough to rule out pathogenicity. In summary, the clinical significance of the p.Leu113Phe variant is uncertain.

Institute of Human Genetics, Medical University Innsbruck
Classification: Uncertain significance for Cardiovascular phenotype. Review status: criteria provided, single submitter. Criteria: ACMG Guidelines, 2015. Collection method: clinical testing. Allele origin: germline. Affected: yes.

Molecular Diagnostic Laboratory for Inherited Cardiovascular Disease, Montreal Heart Institute
Classification: Uncertain significance for Primary familial hypertrophic cardiomyopathy. Review status: criteria provided, single submitter. Criteria: ACMG Guidelines, 2015. Collection method: clinical testing. Allele origin: germline. Affected: yes.

NM_003673.4(TCAP):c.337C>T (p.Leu113Phe)

Gene: TCAP (titin-cap; plus strand). Cytogenetic location: 17q12.
Variant type: single nucleotide variant.
Coding change: c.337C>T on transcript NM_003673.4 (MANE Select); coding-DNA position 337, C replaced by T.
Protein change: p.Leu113Phe; replaces leucine 113 with phenylalanine.
Molecular consequence: missense variant.
Genome position (GRCh38, 1-based): chr17:39,665,942, C>T. VCF-style: chr17-39665942-C-T. GRCh37 (hg19) VCF-style: chr17-37822195-C-T.
Other names: short protein forms L113F.
Identifiers: ClinVar variation 179032 (VCV000179032.56), dbSNP rs372312912, ClinGen allele CA183562.
Genomic context (GRCh38, chr17:39,665,942, plus strand): 5'-ATCTTCACCCCTGCCAAGATGGGCGCCACCAAGGAGGAGCGTGAGGACACCCCCATCCAG[C>T]TTCAGGAGCTGCTGGCGCTGGAGACAGCCCTGGGTGGCCAGTGTGTGGACCGCCAGGAGG-3'
Protein context (NP_003664.1, residues 103-123): KEEREDTPIQ[Leu113Phe]QELLALETAL